The following is an entry in ClinVar:

NM_002878.4(RAD51D):c.263+1498G>A

Genes: RAD51L3-RFFL (RAD51L3-RFFL readthrough; minus strand), RAD51D (RAD51 paralog D; minus strand). Cytogenetic location: 17q12.
Variant type: single nucleotide variant.
Coding change: c.263+1498G>A on transcript NM_002878.4 (MANE Select); 1498 bases into the intron after coding-DNA position 263, G replaced by A.
Molecular consequence: intron variant. On other transcripts: missense variant (1).
Genome position (GRCh38, 1-based): chr17:35,117,003, C>T on the plus strand (G>A on the coding strand, the complement: RAD51D is on the minus strand). VCF-style: chr17-35117003-C-T. GRCh37 (hg19) VCF-style: chr17-33444022-C-T.
Other names: c.179G>A, p.Gly60Glu (NM_001142571.2); c.144+2108G>A (NM_133629.3); short protein forms G60E.
Identifiers: ClinVar variation 5027829 (VCV005027829.1).

ClinVar aggregate classification (germline): Uncertain significance (1 of 4 stars; one submission).

Conditions:
Hereditary cancer-predisposing syndrome. Also called: Neoplastic Syndromes, Hereditary; Tumor predisposition; Hereditary neoplastic syndrome; Hereditary Cancer Syndrome. Identifiers: Orphanet 140162, MedGen C0027672, MeSH D009386, MONDO:0015356.

Submission:

Ambry Genetics
Classification: Uncertain significance for Hereditary cancer-predisposing syndrome. Last evaluated: 2026-07-06. Review status: criteria provided, single submitter. Criteria: Ambry Variant Classification Scheme 2023. Collection method: clinical testing. Allele origin: germline.
Comment: The p.G60E variant (also known as c.179G>A), located in coding exon 3 of the RAD51D gene, results from a G to A substitution at nucleotide position 179. The glycine at codon 60 is replaced by glutamic acid, an amino acid with similar properties. This amino acid position is conserved. In addition, this alteration is predicted to be tolerated by in silico analysis. Based on the available evidence, the clinical significance of this variant remains unclear.